The following is an entry in ClinVar:

ClinVar aggregate classification (germline): Uncertain significance. Review status: criteria provided, multiple submitters, no conflicts (2 of 4 stars). 4 submissions from 4 submitters: Uncertain significance (4). Last evaluated 2024-02-27.

Conditions:
Renal tubular acidosis, distal, 3, with or without sensorineural hearing loss (DRTA3). Identifiers: MedGen C5399980, MONDO:0011268, OMIM 602722.
Inborn genetic diseases. Identifiers: MedGen C0950123, MeSH D030342.

Allele frequency attached by ClinVar (database versions not stated): gnomAD exomes below 0.00001; ExAC 0.00001; TOPMed 0.00004; gnomAD 0.00005; ESP Exome Variant Server 0.00015.
gnomAD v4.1: 63 of 1,613,972 alleles (0.0039%); highest among the groups gnomAD compares: Non-Finnish European, 0.0047%; no homozygotes.

Submissions (4):

Blueprint Genetics
Classification: Uncertain significance. Last evaluated: 2024-02-27. Review status: criteria provided, single submitter. Criteria: ACMG Guidelines, 2015. Collection method: clinical testing. Allele origin: germline.

Fulgent Genetics
Classification: Uncertain significance for Renal tubular acidosis, distal, 3, with or without sensorineural hearing loss. Last evaluated: 2023-12-28. Review status: criteria provided, single submitter. Criteria: ACMG Guidelines, 2015. Collection method: clinical testing. Allele origin: germline.

Labcorp Genetics (formerly Invitae), Labcorp
Classification: Uncertain significance. Last evaluated: 2023-05-15. Review status: criteria provided, single submitter. Criteria: Invitae Variant Classification Sherloc (09022015). Collection method: clinical testing. Allele origin: germline.
Comment: In summary, the available evidence is currently insufficient to determine the role of this variant in disease. Therefore, it has been classified as a Variant of Uncertain Significance. Advanced modeling of protein sequence and biophysical properties (such as structural, functional, and spatial information, amino acid conservation, physicochemical variation, residue mobility, and thermodynamic stability) performed at Invitae indicates that this missense variant is expected to disrupt ATP6V0A4 protein function. ClinVar contains an entry for this variant (Variation ID: 1486024). This variant has not been reported in the literature in individuals affected with ATP6V0A4-related conditions. This variant is present in population databases (rs368553213, gnomAD 0.002%). This sequence change replaces tryptophan, which is neutral and slightly polar, with arginine, which is basic and polar, at codon 598 of the ATP6V0A4 protein (p.Trp598Arg).

Ambry Genetics
Classification: Uncertain significance for Inborn genetic diseases. Last evaluated: 2022-02-03. Review status: criteria provided, single submitter. Criteria: Ambry Variant Classification Scheme 2023. Collection method: clinical testing. Allele origin: germline.

NM_020632.3(ATP6V0A4):c.1792T>C (p.Trp598Arg)

Gene: ATP6V0A4 (ATPase H+ transporting V0 subunit a4; minus strand). Cytogenetic location: 7q34.
Variant type: single nucleotide variant.
Coding change: c.1792T>C on transcript NM_020632.3 (MANE Select); coding-DNA position 1792, T replaced by C.
Protein change: p.Trp598Arg; replaces tryptophan 598 with arginine.
Molecular consequence: missense variant.
Genome position (GRCh38, 1-based): chr7:138,732,993, A>G on the plus strand (T>C on the coding strand, the complement: ATP6V0A4 is on the minus strand). VCF-style: chr7-138732993-A-G. GRCh37 (hg19) VCF-style: chr7-138417738-A-G.
Other names: c.1792T>C, p.Trp598Arg (NM_130840.3, NM_130841.3); c.1792T>C (NM_020632.2); short protein forms W598R.
Identifiers: ClinVar variation 1486024 (VCV001486024.8), dbSNP rs368553213, ClinGen allele CA4504653.
Genomic context (GRCh38, chr7:138,732,993, plus strand): 5'-TGATGAAGTGGATGAGGATGCTGGGGGCGTGCTGAGATACATGGACGTCAAAGCAGCACC[A>G]TTTGAAAATGATCATGAAAACCAGGTATCCAAACAGACACAGGATAAAAATCATCTCAGG-3'
Protein context (NP_065683.2, residues 588-608): GYLVFMIIFK[Trp598Arg]CCFDVHVSQH